The following is an entry in ClinVar:

ClinVar aggregate classification (germline): Uncertain significance. Review status: criteria provided, multiple submitters, no conflicts (2 of 4 stars). 2 submissions from 2 submitters: Uncertain significance (2). Last evaluated 2025-07-14.

Allele frequency attached by ClinVar (database versions not stated): gnomAD exomes 0.00001.
gnomAD v4.1: 7 of 1,613,082 alleles (0.00043%); highest among the groups gnomAD compares: Non-Finnish European, 0.00059%; no homozygotes.

Submissions (2):

Labcorp Genetics (formerly Invitae), Labcorp
Classification: Uncertain significance. Last evaluated: 2025-07-14. Review status: criteria provided, single submitter. Criteria: Invitae Variant Classification Sherloc (09022015). Collection method: clinical testing. Allele origin: germline.
Comment: This sequence change falls in intron 14 of the OPA1 gene. It does not directly change the encoded amino acid sequence of the OPA1 protein. This variant is present in population databases (no rsID available, gnomAD 0.0009%). This variant has not been reported in the literature in individuals affected with OPA1-related conditions. ClinVar contains an entry for this variant (Variation ID: 1942772). Algorithms developed to predict the effect of sequence changes on RNA splicing suggest that this variant may create or strengthen a splice site. In summary, the available evidence is currently insufficient to determine the role of this variant in disease. Therefore, it has been classified as a Variant of Uncertain Significance.

Blueprint Genetics
Classification: Uncertain significance. Last evaluated: 2024-05-20. Review status: criteria provided, single submitter. Criteria: ACMG Guidelines, 2015. Collection method: clinical testing. Allele origin: germline.

NM_130837.3(OPA1):c.1608+8C>A

Gene: OPA1 (OPA1 mitochondrial dynamin like GTPase; plus strand). Cytogenetic location: 3q29.
Variant type: single nucleotide variant.
Coding change: c.1608+8C>A on transcript NM_130837.3 (MANE Select); 8 bases into the intron after coding-DNA position 1608, C replaced by A.
Molecular consequence: intron variant.
Genome position (GRCh38, 1-based): chr3:193,644,113, C>A. VCF-style: chr3-193644113-C-A. GRCh37 (hg19) VCF-style: chr3-193361902-C-A.
Other names: c.1071+8C>A (NM_001354664.2); c.1074+8C>A (NM_001354663.2); c.1497+8C>A (NM_130834.3); c.1554+8C>A (NM_130836.3); c.1443+8C>A (NM_015560.3); c.1500+8C>A (NM_130835.3); c.1389+8C>A (NM_130832.3); c.1446+8C>A (NM_130833.3); and 1 more.
Identifiers: ClinVar variation 1942772 (VCV001942772.6), dbSNP rs1199236211, ClinGen allele CA548822339.
Genomic context (GRCh38, chr3:193,644,113, plus strand): 5'-TCGTTTTGACCAAAGTAGACCTGGCAGAGAAAAATGTAGCCAGTCCAAGCAGGGTGAGGT[C>A]AAATTCTTTGTTGCGAGAATAGATTCTTTGTAAAAGCTCCAGCTGTGATAGGGATTTGTT-3'